The following is an entry in ClinVar:

ClinVar aggregate classification (germline): Uncertain significance. Review status: criteria provided, multiple submitters, no conflicts (2 of 4 stars). 2 submissions from 2 submitters: Uncertain significance (2). Last evaluated 2025-06-16.

Conditions:
Alstrom syndrome (ALMS). Identifiers: Orphanet 64, MedGen C0268425, MONDO:0008763, OMIM 203800.
Cardiovascular phenotype. Identifiers: MedGen CN230736.

Allele frequency attached by ClinVar (database versions not stated): ExAC 0.00001; gnomAD 0.00001; TOPMed 0.00001.
gnomAD v4.1: 9 of 1,608,984 alleles (0.00056%); highest among the groups gnomAD compares: Non-Finnish European, 0.00068%; no homozygotes.

Submissions (2):

Ambry Genetics
Classification: Uncertain significance for Cardiovascular phenotype. Last evaluated: 2025-06-16. Review status: criteria provided, single submitter. Criteria: Ambry Variant Classification Scheme 2023. Collection method: clinical testing. Allele origin: germline.
Comment: The p.D1868G variant (also known as c.5603A>G), located in coding exon 8 of the ALMS1 gene, results from an A to G substitution at nucleotide position 5603. The aspartic acid at codon 1868 is replaced by glycine, an amino acid with similar properties. This amino acid position is well conserved in available vertebrate species. In addition, this alteration is predicted to be tolerated by in silico analysis. Based on the available evidence, the clinical significance of this variant remains unclear.

Labcorp Genetics (formerly Invitae), Labcorp
Classification: Uncertain significance for Alstrom syndrome. Last evaluated: 2024-12-02. Review status: criteria provided, single submitter. Criteria: Invitae Variant Classification Sherloc (09022015). Collection method: clinical testing. Allele origin: germline.
Comment: This sequence change replaces aspartic acid with glycine at codon 1868 of the ALMS1 protein (p.Asp1868Gly). The aspartic acid residue is moderately conserved and there is a moderate physicochemical difference between aspartic acid and glycine. This variant is present in population databases (rs762497192, gnomAD 0.0009%). This variant has not been reported in the literature in individuals affected with ALMS1-related conditions. ClinVar contains an entry for this variant (Variation ID: 1979371). Experimental studies and prediction algorithms are not available or were not evaluated, and the functional significance of this variant is currently unknown. In summary, the available evidence is currently insufficient to determine the role of this variant in disease. Therefore, it has been classified as a Variant of Uncertain Significance.

NM_001378454.1(ALMS1):c.5600A>G (p.Asp1867Gly)

Gene: ALMS1 (ALMS1 centrosome and basal body associated protein; plus strand). Cytogenetic location: 2p13.1.
Variant type: single nucleotide variant.
Coding change: c.5600A>G on transcript NM_001378454.1 (MANE Select); coding-DNA position 5600, A replaced by G.
Protein change: p.Asp1867Gly; replaces aspartic acid 1867 with glycine.
Molecular consequence: missense variant.
Genome position (GRCh38, 1-based): chr2:73,452,127, A>G. VCF-style: chr2-73452127-A-G. GRCh37 (hg19) VCF-style: chr2-73679254-A-G.
Other names: c.5603A>G, p.Asp1868Gly (NM_015120.4); short protein forms D1867G, D1868G.
Identifiers: ClinVar variation 1979371 (VCV001979371.3), dbSNP rs762497192, ClinGen allele CA1713912.
Genomic context (GRCh38, chr2:73,452,127, plus strand): 5'-CCTCTAATTCCTACCCACAGAGAGAGCACTCTGTCATTTCTTATGAGCAGGAGTTGCCAG[A>G]TCTTACTGAAGTAACTTTGAAAGCAATAGGGGTTCCTGGGCCTGCTGACCAGAAGACTGG-3'
Protein context (NP_001365383.1, residues 1857-1877): SVISYEQELP[Asp1867Gly]LTEVTLKAIG